The following is an entry in ClinVar:

NM_004387.4(NKX2-5):c.358G>A (p.Val120Met)

Gene: NKX2-5 (NK2 homeobox 5; minus strand). Cytogenetic location: 5q35.1.
Variant type: single nucleotide variant.
Coding change: c.358G>A on transcript NM_004387.4 (MANE Select); coding-DNA position 358, G replaced by A.
Protein change: p.Val120Met; replaces valine 120 with methionine.
Molecular consequence: missense variant. On other transcripts: 3 prime UTR variant (2).
Genome position (GRCh38, 1-based): chr5:173,233,186, C>T on the plus strand (G>A on the coding strand, the complement: NKX2-5 is on the minus strand). VCF-style: chr5-173233186-C-T. GRCh37 (hg19) VCF-style: chr5-172660189-C-T.
Other names: c.*311G>A (NM_001166175.2); c.*157G>A (NM_001166176.2); short protein forms V120M.
Identifiers: ClinVar variation 3879785 (VCV003879785.2).

ClinVar aggregate classification (germline): Uncertain significance. Review status: criteria provided, multiple submitters, no conflicts (2 of 4 stars). 2 submissions from 2 submitters: Uncertain significance (2). Last evaluated 2026-04-23.

Conditions:
Cardiovascular phenotype. Identifiers: MedGen CN230736.

gnomAD v4.1: 7 of 1,601,662 alleles (0.00044%); highest among the groups gnomAD compares: Non-Finnish European, 0.00059%; no homozygotes.

Submissions (2):

GeneDx
Classification: Uncertain significance. Last evaluated: 2026-04-23. Review status: criteria provided, single submitter. Criteria: GeneDx Variant Classification Process June 2021. Collection method: clinical testing. Allele origin: germline.
Comment: Not observed at significant frequency in large population cohorts (gnomAD); In silico analysis suggests that this missense variant does not alter protein structure/function; Has not been previously published as pathogenic or benign to our knowledge

Ambry Genetics
Classification: Uncertain significance for Cardiovascular phenotype. Last evaluated: 2025-01-19. Review status: criteria provided, single submitter. Criteria: Ambry Variant Classification Scheme 2023. Collection method: clinical testing. Allele origin: germline.
Comment: The p.V120M variant (also known as c.358G>A), located in coding exon 2 of the NKX2-5 gene, results from a G to A substitution at nucleotide position 358. The valine at codon 120 is replaced by methionine, an amino acid with highly similar properties. This amino acid position is conserved. In addition, this alteration is predicted to be tolerated by in silico analysis. Based on the available evidence, the clinical significance of this variant remains unclear.